The following is an entry in ClinVar:

NM_000548.5(TSC2):c.2920G>A (p.Ala974Thr)

Gene: TSC2 (TSC complex subunit 2; plus strand). Cytogenetic location: 16p13.3.
Variant type: single nucleotide variant.
Coding change: c.2920G>A on transcript NM_000548.5 (MANE Select); coding-DNA position 2920, G replaced by A.
Protein change: p.Ala974Thr; replaces alanine 974 with threonine.
Molecular consequence: missense variant. On other transcripts: intron variant (9).
Genome position (GRCh38, 1-based): chr16:2,077,680, G>A. VCF-style: chr16-2077680-G-A. GRCh37 (hg19) VCF-style: chr16-2127681-G-A.
Other names: c.2920G>A, p.Ala974Thr (NM_001114382.3); c.2837+1095G>A (NM_021055.3, NM_001370405.1, NM_001363528.2 and 2 more transcripts); c.2726+1095G>A (NM_001318827.2); c.2237+1095G>A (NM_001318831.2); c.2690+1095G>A (NM_001318829.2); c.2870+1095G>A (NM_001318832.2); short protein forms A974T.
Identifiers: ClinVar variation 849909 (VCV000849909.12), dbSNP rs556778889, ClinGen allele CA276743978.
Genomic context (GRCh38, chr16:2,077,680, plus strand): 5'-AAACAAGGCTTGAATAACTCTCCACCCGTGAAAGAATTCAAGGAGAGCTCTGCAGCCGAG[G>A]CCTTCCGGTGCCGCAGCATCAGTGTGTCTGAACATGTGGTCCGCAGGTAGCGGGACTGTC-3'
Protein context (NP_000539.2, residues 964-984): KEFKESSAAE[Ala974Thr]FRCRSISVSE

ClinVar aggregate classification (germline): Conflicting classifications of pathogenicity. Review status: criteria provided, conflicting classifications (1 of 4 stars). 2 submissions from 2 submitters: Uncertain significance (1); Benign (1). Last evaluated 2025-10-21.

Conditions:
Tuberous sclerosis 2 (TSC2). Identifiers: Orphanet 805, MedGen C1860707, MONDO:0013199, OMIM 613254.
Hereditary cancer-predisposing syndrome. Also called: Neoplastic Syndromes, Hereditary; Hereditary Cancer Syndrome; Hereditary neoplastic syndrome; Tumor predisposition. Identifiers: Orphanet 140162, MedGen C0027672, MeSH D009386, MONDO:0015356.

Allele frequency attached by ClinVar (database versions not stated): gnomAD 0.00001; 1000 Genomes Project 0.00020; 1000 Genomes Project 30x 0.00031.
gnomAD v4.1: 2 of 1,613,044 alleles (0.00012%); highest among the groups gnomAD compares: Non-Finnish European, 0.00017%; no homozygotes.

Submissions (2):

Labcorp Genetics (formerly Invitae), Labcorp
Classification: Benign for Tuberous sclerosis 2. Last evaluated: 2025-10-21. Review status: criteria provided, single submitter. Criteria: Invitae Variant Classification Sherloc (09022015). Collection method: clinical testing. Allele origin: germline.

Ambry Genetics
Classification: Uncertain significance for Hereditary cancer-predisposing syndrome. Last evaluated: 2023-12-13. Review status: criteria provided, single submitter. Criteria: Ambry Variant Classification Scheme 2023. Collection method: clinical testing. Allele origin: germline.
Comment: The p.A974T variant (also known as c.2920G>A), located in coding exon 25 of the TSC2 gene, results from a G to A substitution at nucleotide position 2920. The alanine at codon 974 is replaced by threonine, an amino acid with similar properties. This alteration was identified in an individual diagnosed with a gastroenteropancreatic neuroendocrine neoplasia (Asprino PF et al. Endocr Relat Cancer, 2018 02;25:L1-L5). This amino acid position is well conserved in available vertebrate species. In addition, this alteration is predicted to be deleterious by in silico analysis. Since supporting evidence is limited at this time, the clinical significance of this alteration remains unclear.

Literature cited by the submitters: PubMed 29167182 (cited by Ambry Genetics).